The following is an entry in ClinVar:

NM_004304.5(ALK):c.2771G>A (p.Gly924Asp)

Gene: ALK (ALK receptor tyrosine kinase; minus strand). Cytogenetic location: 2p23.2.
Variant type: single nucleotide variant.
Coding change: c.2771G>A on transcript NM_004304.5 (MANE Select); coding-DNA position 2771, G replaced by A.
Protein change: p.Gly924Asp; replaces glycine 924 with aspartic acid.
Molecular consequence: missense variant.
Genome position (GRCh38, 1-based): chr2:29,228,928, C>T on the plus strand (G>A on the coding strand, the complement: ALK is on the minus strand). VCF-style: chr2-29228928-C-T. GRCh37 (hg19) VCF-style: chr2-29451794-C-T.
Other names: short protein forms G924D.
Identifiers: ClinVar variation 657207 (VCV000657207.8), dbSNP rs75861155, ClinGen allele CA44635306.

ClinVar aggregate classification (germline): Uncertain significance (1 of 4 stars; one submission).

Conditions:
Neuroblastoma, susceptibility to, 3. Also called: ALK-Related Neuroblastic Tumor Susceptibility. Identifiers: Orphanet 635, MedGen C2751681, MONDO:0013083, OMIM 613014.

Submission:

Labcorp Genetics (formerly Invitae), Labcorp
Classification: Uncertain significance for Neuroblastoma, susceptibility to, 3. Last evaluated: 2018-10-10. Review status: criteria provided, single submitter. Criteria: Invitae Variant Classification Sherloc (09022015). Collection method: clinical testing. Allele origin: germline.
Comment: This sequence change replaces glycine with aspartic acid at codon 924 of the ALK protein (p.Gly924Asp). The glycine residue is highly conserved and there is a moderate physicochemical difference between glycine and aspartic acid. This variant is not present in population databases (ExAC no frequency). This variant has not been reported in the literature in individuals with ALK-related disease. Algorithms developed to predict the effect of missense changes on protein structure and function (SIFT, PolyPhen-2, Align-GVGD) all suggest that this variant is likely to be disruptive, but these predictions have not been confirmed by published functional studies and their clinical significance is uncertain. In summary, the available evidence is currently insufficient to determine the role of this variant in disease. Therefore, it has been classified as a Variant of Uncertain Significance.